The following is an entry in ClinVar:

NM_006031.6(PCNT):c.7170G>T (p.Lys2390Asn)

Gene: PCNT (pericentrin; plus strand). Cytogenetic location: 21q22.3.
Variant type: single nucleotide variant.
Coding change: c.7170G>T on transcript NM_006031.6 (MANE Select); coding-DNA position 7170, G replaced by T.
Protein change: p.Lys2390Asn; replaces lysine 2390 with asparagine.
Molecular consequence: missense variant.
Genome position (GRCh38, 1-based): chr21:46,422,115, G>T. VCF-style: chr21-46422115-G-T. GRCh37 (hg19) VCF-style: chr21-47842029-G-T.
Other names: c.6816G>T, p.Lys2272Asn (NM_001315529.2); short protein forms K2390N, K2272N.
Identifiers: ClinVar variation 5000901 (VCV005000901.1).
Genomic context (GRCh38, chr21:46,422,115, plus strand): 5'-CATCTCTGGAAGGTTTCAGCCGCTGCCGGAAGCCATGAAGGAGAAGGAAGTGCGTCCGAA[G>T]CACGTGAAGGTATGGCTGGCAGGGGCGGCCCTCACAGCTTCACATGTGCAGCCTCGGGGC-3'
Protein context (NP_006022.3, residues 2380-2400): EAMKEKEVRP[Lys2390Asn]HVKALLQMVR

ClinVar aggregate classification (germline): Uncertain significance (1 of 4 stars; one submission).

Conditions:
PCNT-related disorder. Also called: PCNT-related condition.

Submission:

PreventionGenetics, part of Exact Sciences
Classification: Uncertain significance for PCNT-related condition. Last evaluated: 2024-12-03. Review status: criteria provided, single submitter. Criteria: ACMG Guidelines, 2015. Collection method: clinical testing. Allele origin: germline.
Comment: The PCNT c.7170G>T variant is predicted to result in the amino acid substitution p.Lys2390Asn. To our knowledge, this variant has not been reported in the literature or in a large population database (gnomAD), indicating this variant is rare. At this time, the clinical significance of this variant is uncertain due to the absence of conclusive functional and genetic evidence.